The following is an entry in ClinVar:

ClinVar aggregate classification (germline): Pathogenic (1 of 4 stars; one submission).

Submission:

GeneDx
Classification: Pathogenic. Last evaluated: 2023-08-02. Review status: criteria provided, single submitter. Criteria: GeneDx Variant Classification Process June 2021. Collection method: clinical testing. Allele origin: germline. Affected: yes.
Comment: Frameshift variant predicted to result in protein truncation or nonsense mediated decay in a gene for which loss-of-function is a known mechanism of disease; Not observed at significant frequency in large population cohorts (gnomAD); Has not been previously published as pathogenic or benign to our knowledge

NM_194454.3(KRIT1):c.1975del (p.Tyr659fs)

Gene: KRIT1 (KRIT1 ankyrin repeat containing; minus strand). Cytogenetic location: 7q21.2.
Variant type: Deletion.
Coding change: c.1975del on transcript NM_194454.3 (MANE Select); coding-DNA position 1975, one base deleted (T; older notation c.1975delT).
Protein change: p.Tyr659fs; shifts the reading frame from tyrosine 659.
Molecular consequence: frameshift variant.
Genome position (GRCh38, 1-based): chr7:92,213,245, A deleted on the plus strand (T on the coding strand, the reverse complement: KRIT1 is on the minus strand). VCF-style (leftmost placement, unchanged base first): chr7-92213244-TA-T. GRCh37 (hg19) VCF-style: chr7-91842558-TA-T.
Other names: c.1831del, p.Tyr611fs (NM_001013406.2, NM_001350669.1, NM_001350670.1); c.1261del, p.Tyr421fs (NM_001350671.1); c.1975del, p.Tyr659fs (NM_001350672.1, NM_001350673.1, NM_001350674.1 and 26 more transcripts); short protein forms Y421fs, Y611fs, Y659fs.
Identifiers: ClinVar variation 3340744 (VCV003340744.1).